The following is an entry in ClinVar:

ClinVar aggregate classification (germline): Uncertain significance (1 of 4 stars; one submission).

Submission:

Labcorp Genetics (formerly Invitae), Labcorp
Classification: Uncertain significance. Last evaluated: 2021-06-12. Review status: criteria provided, single submitter. Criteria: Invitae Variant Classification Sherloc (09022015). Collection method: clinical testing. Allele origin: germline.
Comment: This sequence change replaces arginine with glycine at codon 546 of the TUBGCP6 protein (p.Arg546Gly). The arginine residue is moderately conserved and there is a moderate physicochemical difference between arginine and glycine. This variant is not present in population databases (ExAC no frequency). This variant has not been reported in the literature in individuals with TUBGCP6-related conditions. Algorithms developed to predict the effect of missense changes on protein structure and function (SIFT, PolyPhen-2, Align-GVGD) all suggest that this variant is likely to be tolerated, but these predictions have not been confirmed by published functional studies and their clinical significance is uncertain. In summary, the available evidence is currently insufficient to determine the role of this variant in disease. Therefore, it has been classified as a Variant of Uncertain Significance.

NM_020461.4(TUBGCP6):c.1636A>G (p.Arg546Gly)

Gene: TUBGCP6 (tubulin gamma complex component 6; minus strand). Cytogenetic location: 22q13.33.
Variant type: single nucleotide variant.
Coding change: c.1636A>G on transcript NM_020461.4 (MANE Select); coding-DNA position 1636, A replaced by G.
Protein change: p.Arg546Gly; replaces arginine 546 with glycine.
Molecular consequence: missense variant.
Genome position (GRCh38, 1-based): chr22:50,226,344, T>C on the plus strand (A>G on the coding strand, the complement: TUBGCP6 is on the minus strand). VCF-style: chr22-50226344-T-C. GRCh37 (hg19) VCF-style: chr22-50664773-T-C.
Other names: short protein forms R546G.
Identifiers: ClinVar variation 1354327 (VCV001354327.8), dbSNP rs2147188613, ClinGen allele CA412106323.